The following is an entry in ClinVar:

NM_001077350.3(NPRL3):c.591_629+634del

Genes: HBA-LCR (alpha-globin locus control region; plus strand), NPRL3 (NPR3 like, GATOR1 complex subunit; minus strand). Cytogenetic location: 16p13.3.
Variant type: Deletion.
Coding change: c.591_629+634del on transcript NM_001077350.3 (MANE Select); coding-DNA position 591 through 634 bases into the intron after coding-DNA position 629, 673 bases deleted.
Molecular consequence: splice donor variant.
Genome position (GRCh38, 1-based): chr16:109,891-110,563, 673 bases deleted. GRCh37 (hg19): chr16:159,894-160,566.
Other names: c.357_395+634del (NM_001243247.2); c.516_554+634del (NM_001243248.2, NM_001243249.2); c.54_92+634del (NM_001039476.3).
Identifiers: ClinVar variation 845406 (VCV000845406.1), dbSNP rs1899713412, ClinGen allele CA916083458.

ClinVar aggregate classification (germline): Likely pathogenic (1 of 4 stars; one submission).

Conditions:
Epilepsy, familial focal, with variable foci 3 (FFEVF3). Identifiers: MedGen C4310708, MONDO:0014925, OMIM 617118.

Submission:

Labcorp Genetics (formerly Invitae), Labcorp
Classification: Likely pathogenic for Epilepsy, familial focal, with variable foci 3. Last evaluated: 2019-02-08. Review status: criteria provided, single submitter. Criteria: Invitae Variant Classification Sherloc (09022015). Collection method: clinical testing. Allele origin: germline.
Comment: This variant is a deletion of the genomic region encompassing part of exon 7 (c.591_629+634del) of the NPRL3 gene. It is expected to disrupt RNA splicing and likely results in an absent or disrupted protein product. This variant has not been reported in the literature in individuals with NPRL3-related conditions. Loss-of-function variants in NPRL3 are known to be pathogenic (PMID: 26285051, 26505888). In summary, the currently available evidence indicates that the variant is pathogenic, but additional data are needed to prove that conclusively. Therefore, this variant has been classified as Likely Pathogenic.